The following is an entry in ClinVar:

ClinVar aggregate classification (germline): Pathogenic. Review status: no assertion criteria provided (0 of 4 stars). 2 submissions from 2 submitters: Pathogenic (1). 1 of the submissions does not count toward it. Last evaluated 2013-03-07.

Conditions:
Blepharophimosis - intellectual disability syndrome, MKB type. Also called: X-Linked Ohdo Syndrome (XLOS); BLEPHAROPHIMOSIS-MENTAL RETARDATION SYNDROME, MAAT-KIEVIT-BRUNNER TYPE; Ohdo syndrome, X-linked. Identifiers: Orphanet 293707, MedGen C3698541, MONDO:0010477, OMIM 300895.
FG syndrome 1 (OKS). Also called: MENTAL RETARDATION, LARGE HEAD, IMPERFORATE ANUS, CONGENITAL HYPOTONIA, AND PARTIAL AGENESIS OF CORPUS CALLOSUM; KELLER SYNDROME; OPITZ-KAVEGGIA SYNDROME; FG Syndrome Type 1 (FGS1). Identifiers: Orphanet 93932, MedGen C5399762, MONDO:0010590, OMIM 305450.

Submissions (2):

OMIM
Classification: Pathogenic for OHDO SYNDROME, X-LINKED. Last evaluated: 2013-03-07. Review status: no assertion criteria provided. Collection method: literature only. Allele origin: germline.

GeneReviews
No classification provided. Condition: FG syndrome. Review status: no classification provided. Collection method: literature only. Allele origin: germline. Not counted in ClinVar's aggregate classification.

Literature cited by the submitters: PubMed 23395478 (cited by OMIM and GeneReviews); PubMed 20301719 (cited by GeneReviews).

NM_005120.3(MED12):c.3493T>C (p.Ser1165Pro)

Gene: MED12 (mediator complex subunit 12; plus strand). Cytogenetic location: Xq13.1.
Variant type: single nucleotide variant.
Coding change: c.3493T>C on transcript NM_005120.3 (MANE Select); coding-DNA position 3493, T replaced by C.
Protein change: p.Ser1165Pro; replaces serine 1165 with proline.
Molecular consequence: missense variant.
Genome position (GRCh38, 1-based): chrX:71,129,131, T>C. VCF-style: chrX-71129131-T-C. GRCh37 (hg19) VCF-style: chrX-70348981-T-C.
Other names: short protein forms S1165P.
Identifiers: ClinVar variation 50280 (VCV000050280.4), dbSNP rs387907361, ClinGen allele CA143731.